The following is an entry in ClinVar:

NM_000962.4(PTGS1):c.1441G>A (p.Val481Ile)

Gene: PTGS1 (prostaglandin-endoperoxide synthase 1; plus strand). Cytogenetic location: 9q33.2.
Variant type: single nucleotide variant.
Coding change: c.1441G>A on transcript NM_000962.4 (MANE Select); coding-DNA position 1441, G replaced by A.
Protein change: p.Val481Ile; replaces valine 481 with isoleucine.
Molecular consequence: missense variant.
Genome position (GRCh38, 1-based): chr9:122,390,342, G>A. VCF-style: chr9-122390342-G-A. GRCh37 (hg19) VCF-style: chr9-125152621-G-A.
Other names: p.Val481Ile; c.1297G>A, p.Val433Ile (NM_001271164.2); c.1114G>A, p.Val372Ile (NM_001271165.2); c.1003G>A, p.Val335Ile (NM_001271166.2, NM_001271367.2); c.1255G>A, p.Val419Ile (NM_001271368.2); c.1330G>A, p.Val444Ile (NM_080591.3); short protein forms V335I, V372I, V419I, V433I, V444I, V481I.
Identifiers: ClinVar variation 3024886 (VCV003024886.23), dbSNP rs5794, ClinGen allele CA5225100.
Genomic context (GRCh38, chr9:122,390,342, plus strand): 5'-CCCTTCAATGAGTACCGCAAGAGGTTTGGCATGAAACCCTACACCTCCTTCCAGGAGCTC[G>A]TAGGTGAGCAGCTGTTTCCTGGATGCAGTCCCTGCCCTTGAGGGACTGGCAGCAAAGTCA-3'
Protein context (NP_000953.2, residues 471-491): MKPYTSFQEL[Val481Ile]GEKEMAAELE

ClinVar aggregate classification (germline): Likely benign. Review status: criteria provided, multiple submitters, no conflicts (2 of 4 stars). 2 submissions from 2 submitters: Likely benign (2). Last evaluated 2024-02-01.

Allele frequency attached by ClinVar (database versions not stated): ESP Exome Variant Server 0.00577; 1000 Genomes Project 30x 0.00578; TOPMed 0.00616; gnomAD 0.00628; 1000 Genomes Project 0.00659; ExAC 0.00757.

Submissions (2):

CeGaT Center for Human Genetics Tuebingen
Classification: Likely benign. Last evaluated: 2024-02-01. Review status: criteria provided, single submitter. Criteria: CeGaT Center For Human Genetics Tuebingen Variant Classification Criteria Version 2. Collection method: clinical testing. Allele origin: germline. Affected: yes. Observed: 1 variant allele.
Comment: PTGS1: BP4, BS2

Mayo Clinic Laboratories, Mayo Clinic
Classification: Likely benign. Last evaluated: 2023-10-05. Review status: criteria provided, single submitter. Criteria: ACMG Guidelines, 2015. Collection method: clinical testing. Allele origin: germline. Observed: 4 variant alleles.
Comment: BS1, BP4